The following is an entry in ClinVar:

NM_018474.6(KIZ):c.1904del (p.Val635fs)

Gene: KIZ (kizuna centrosomal protein; plus strand). Cytogenetic location: 20p11.23.
Variant type: Deletion.
Coding change: c.1904del on transcript NM_018474.6 (MANE Select); coding-DNA position 1904, one base deleted (T; older notation c.1904delT).
Protein change: p.Val635fs; shifts the reading frame from valine 635.
Molecular consequence: frameshift variant.
Genome position (GRCh38, 1-based): chr20:21,244,268, T deleted. VCF-style (leftmost placement, unchanged base first): chr20-21244267-GT-G. GRCh37 (hg19) VCF-style: chr20-21224905-GT-G.
Other names: c.1595del, p.Val532fs (NM_001163022.3); c.1505del, p.Val502fs (NM_001163023.3); c.1757del, p.Val586fs (NM_001276389.2); c.1850del, p.Val617fs (NM_001352434.2); c.1541del, p.Val514fs (NM_001352435.2); c.1562del, p.Val521fs (NM_001352436.2); short protein forms V635fs, V521fs, V532fs, V586fs, V617fs, V502fs, V514fs.
Identifiers: ClinVar variation 968966 (VCV000968966.7), dbSNP rs767482951, ClinGen allele CA9785022.

ClinVar aggregate classification (germline): Uncertain significance (1 of 4 stars; one submission).

Allele frequency attached by ClinVar (database versions not stated): gnomAD exomes below 0.00001; TOPMed below 0.00001; ExAC 0.00001; gnomAD 0.00001.

Submission:

Labcorp Genetics (formerly Invitae), Labcorp
Classification: Uncertain significance. Last evaluated: 2022-07-19. Review status: criteria provided, single submitter. Criteria: Invitae Variant Classification Sherloc (09022015). Collection method: clinical testing. Allele origin: germline.
Comment: In summary, the available evidence is currently insufficient to determine the role of this variant in disease. Therefore, it has been classified as a Variant of Uncertain Significance. Experimental studies and prediction algorithms are not available or were not evaluated, and the functional significance of this variant is currently unknown. ClinVar contains an entry for this variant (Variation ID: 968966). This variant has not been reported in the literature in individuals affected with KIZ-related conditions. This variant is present in population databases (rs767482951, gnomAD 0.003%). This sequence change creates a premature translational stop signal (p.Val635Glyfs*4) in the KIZ gene. While this is not anticipated to result in nonsense mediated decay, it is expected to disrupt the last 39 amino acid(s) of the KIZ protein.